The following is an entry in ClinVar:

NM_005754.3(G3BP1):c.704dup (p.Ala236fs)

Gene: G3BP1 (G3BP stress granule assembly factor 1; plus strand). Cytogenetic location: 5q33.1.
Variant type: Duplication.
Coding change: c.704dup on transcript NM_005754.3 (MANE Select); coding-DNA position 704, one base duplicated (C; older notation c.704dupC).
Protein change: p.Ala236fs; shifts the reading frame from alanine 236.
Molecular consequence: frameshift variant.
Genome position (GRCh38, 1-based): chr5:151,797,391, C duplicated; the last of 2 consecutive C bases (chr5:151,797,390-151,797,391); duplicating either gives the same sequence. VCF-style (leftmost placement, unchanged base first): chr5-151797389-A-AC. GRCh37 (hg19) VCF-style: chr5-151176950-A-AC.
Other names: c.704dup, p.Ala236fs (NM_198395.2); short protein forms A236fs.
Identifiers: ClinVar variation 4795727 (VCV004795727.1).

ClinVar aggregate classification (germline): Uncertain significance (1 of 4 stars; one submission).

Submission:

GeneDx
Classification: Uncertain significance. Last evaluated: 2025-08-15. Review status: criteria provided, single submitter. Criteria: GeneDx Variant Classification Process June 2021. Collection method: clinical testing. Allele origin: germline. Affected: yes.
Comment: Not observed at significant frequency in large population cohorts (gnomAD); Frameshift variant predicted to result in protein truncation or nonsense mediated decay in a gene or region of a gene for which loss of function is not a well-established mechanism of disease; Has not been previously published as pathogenic or benign to our knowledge